The following is an entry in ClinVar:

NM_000038.6(APC):c.1743+445C>A

Gene: APC (APC regulator of WNT signaling pathway; plus strand). Cytogenetic location: 5q22.2.
Variant type: single nucleotide variant.
Coding change: c.1743+445C>A on transcript NM_000038.6 (MANE Select); 445 bases into the intron after coding-DNA position 1743, C replaced by A.
Molecular consequence: intron variant.
Genome position (GRCh38, 1-based): chr5:112,829,417, C>A. VCF-style: chr5-112829417-C-A. GRCh37 (hg19) VCF-style: chr5-112165114-C-A.
Other names: c.1743+445C>A (NM_001354895.2, NM_001127510.3); c.1773+445C>A (NM_001354897.2); c.1470+445C>A (NM_001354902.2); c.1689+445C>A (NM_001127511.3); c.1668+445C>A (NM_001354898.2); c.1365+445C>A (NM_001354904.2); c.894+445C>A (NM_001354906.2); c.1797+445C>A (NM_001354896.2); and 5 more.
Identifiers: ClinVar variation 83168 (VCV000083168.2), dbSNP rs80164775, ClinGen allele CA005688.
Genomic context (GRCh38, chr5:112,829,417, plus strand): 5'-ACTACTCCTGACTTTGTGATCTGCCCAACTCGGCCTCCCAAAGTGCTGGGATTATAGGCG[C>A]AAGCCATCACGCCCAGCCTAGATTCCCTAATTTCTTACCTGTTTATCTCACCAGTCCATA-3'

ClinVar aggregate classification (germline): other (0 of 4 stars; one submission).

Conditions:
Familial colorectal cancer. Identifiers: MedGen CN280943, MONDO:0023113. Disease mechanism: loss of function.

Submission:

Systems Biology Platform Zhejiang California International NanoSystems Institute
Classification: other for Familial colorectal cancer. Review status: no assertion criteria provided. Collection method: not provided. Allele origin: unknown.
ClinVar note: Converted during submission from cancer to other.